The following is an entry in ClinVar:

NM_153682.3(PIGP):c.-9C>G

Gene: PIGP (phosphatidylinositol glycan anchor biosynthesis class P; minus strand). Cytogenetic location: 21q22.13.
Variant type: single nucleotide variant.
Coding change: c.-9C>G on transcript NM_153682.3 (MANE Select); 9 bases upstream of the start codon, C replaced by G.
Molecular consequence: 5 prime UTR variant. On other transcripts: missense variant (1).
Genome position (GRCh38, 1-based): chr21:37,072,524, G>C on the plus strand (C>G on the coding strand, the complement: PIGP is on the minus strand). VCF-style: chr21-37072524-G-C. GRCh37 (hg19) VCF-style: chr21-38444824-G-C.
Other names: c.-9C>G (NM_001320480.2); c.-253C>G (NM_016430.4); c.64C>G, p.Pro22Ala (NM_153681.2); short protein forms P22A.
Identifiers: ClinVar variation 1357403 (VCV001357403.3), dbSNP rs746609412, ClinGen allele CA10021187.

ClinVar aggregate classification (germline): Uncertain significance (1 of 4 stars; one submission).

Allele frequency attached by ClinVar (database versions not stated): gnomAD 0.00001; TOPMed 0.00004; gnomAD exomes 0.00011; ExAC 0.00016.
gnomAD v4.1: 35 of 1,614,078 alleles (0.0022%); highest among the groups gnomAD compares: Admixed American, 0.045%; no homozygotes.

Submission:

Labcorp Genetics (formerly Invitae), Labcorp
Classification: Uncertain significance. Last evaluated: 2022-03-18. Review status: criteria provided, single submitter. Criteria: Invitae Variant Classification Sherloc (09022015). Collection method: clinical testing. Allele origin: germline.
Comment: This sequence change replaces proline, which is neutral and non-polar, with alanine, which is neutral and non-polar, at codon 22 of the PIGP protein (p.Pro22Ala). This variant is present in population databases (rs746609412, gnomAD 0.04%). This variant has not been reported in the literature in individuals affected with PIGP-related conditions. Algorithms developed to predict the effect of missense changes on protein structure and function output the following: SIFT: "Tolerated"; PolyPhen-2: "Benign"; Align-GVGD: "Class C0". The alanine amino acid residue is found in multiple mammalian species, which suggests that this missense change does not adversely affect protein function. In summary, the available evidence is currently insufficient to determine the role of this variant in disease. Therefore, it has been classified as a Variant of Uncertain Significance.